The following is an entry in ClinVar:

ClinVar aggregate classification (germline): Uncertain significance (1 of 4 stars; one submission).

Conditions:
TTN-related disorder. Also called: TTN-related disorders; TTN-related condition; TTN-related disease.

gnomAD v4.1: 5 of 1,613,716 alleles (0.00031%); highest among the groups gnomAD compares: African/African-American, 0.0013%; no homozygotes.

Submission:

PreventionGenetics, part of Exact Sciences
Classification: Uncertain significance for TTN-related condition. Last evaluated: 2025-05-22. Review status: criteria provided, single submitter. Criteria: ACMG Guidelines, 2015. Collection method: clinical testing. Allele origin: germline.
Comment: The TTN c.79948A>G variant is predicted to result in the amino acid substitution p.Ile26650Val. To our knowledge, this variant has not been reported in the literature or in a large population database (gnomAD), indicating this variant is rare. At this time, the clinical significance of this variant is uncertain due to the absence of conclusive functional and genetic evidence.

NM_001267550.2(TTN):c.79948A>G (p.Ile26650Val)

Genes: TTN (titin; minus strand), TTN-AS1 (TTN antisense RNA 1; plus strand). Cytogenetic location: 2q31.2.
Variant type: single nucleotide variant.
Coding change: c.79948A>G on transcript NM_001267550.2 (MANE Select); coding-DNA position 79948, A replaced by G.
Protein change: p.Ile26650Val; replaces isoleucine 26650 with valine.
Molecular consequence: missense variant.
Genome position (GRCh38, 1-based): chr2:178,566,184, T>C on the plus strand (A>G on the coding strand, the complement: TTN is on the minus strand). VCF-style: chr2-178566184-T-C. GRCh37 (hg19) VCF-style: chr2-179430911-T-C.
Other names: c.75025A>G, p.Ile25009Val (NM_001256850.1); c.52753A>G, p.Ile17585Val (NM_003319.4); c.72244A>G, p.Ile24082Val (NM_133378.4); c.53128A>G, p.Ile17710Val (NM_133432.3); c.53329A>G, p.Ile17777Val (NM_133437.4); short protein forms I17777V, I24082V, I25009V, I17710V, I17585V, I26650V.
Identifiers: ClinVar variation 4998133 (VCV004998133.1).